The following is an entry in ClinVar:

ClinVar aggregate classification (germline): Conflicting classifications of pathogenicity. Review status: criteria provided, conflicting classifications (1 of 4 stars). 5 submissions from 5 submitters: Uncertain significance (4); Likely benign (1). Last evaluated 2025-02-13.

Conditions:
Inborn genetic diseases. Identifiers: MedGen C0950123, MeSH D030342.
Spastic ataxia 4. Identifiers: Orphanet 254343, MedGen C3150925, MONDO:0013354, OMIM 613672.

Allele frequency attached by ClinVar (database versions not stated): ExAC 0.00002; TOPMed 0.00003; gnomAD 0.00004; gnomAD exomes 0.00005.
gnomAD v4.1: 91 of 1,614,098 alleles (0.0056%); highest among the groups gnomAD compares: Non-Finnish European, 0.0067%; no homozygotes.

Submissions (5):

Ambry Genetics
Classification: Likely benign for Inborn genetic diseases. Last evaluated: 2025-02-13. Review status: criteria provided, single submitter. Criteria: Ambry Variant Classification Scheme 2023. Collection method: clinical testing. Allele origin: germline.

Labcorp Genetics (formerly Invitae), Labcorp
Classification: Uncertain significance. Last evaluated: 2024-11-11. Review status: criteria provided, single submitter. Criteria: Invitae Variant Classification Sherloc (09022015). Collection method: clinical testing. Allele origin: germline.
Comment: This sequence change replaces threonine, which is neutral and polar, with alanine, which is neutral and non-polar, at codon 542 of the MTPAP protein (p.Thr542Ala). This variant is present in population databases (rs756511637, gnomAD 0.006%). This variant has not been reported in the literature in individuals affected with MTPAP-related conditions. ClinVar contains an entry for this variant (Variation ID: 2182204). An algorithm developed to predict the effect of missense changes on protein structure and function outputs the following: PolyPhen-2: "Benign". The alanine amino acid residue is found in multiple mammalian species, which suggests that this missense change does not adversely affect protein function. In summary, the available evidence is currently insufficient to determine the role of this variant in disease. Therefore, it has been classified as a Variant of Uncertain Significance.

GeneDx
Classification: Uncertain significance. Last evaluated: 2024-04-23. Review status: criteria provided, single submitter. Criteria: GeneDx Variant Classification Process June 2021. Collection method: clinical testing. Allele origin: germline. Affected: yes.
Comment: Not observed at significant frequency in large population cohorts (gnomAD); In silico analysis indicates that this missense variant does not alter protein structure/function; Has not been previously published as pathogenic or benign to our knowledge

Athena Diagnostics
Classification: Uncertain significance. Last evaluated: 2023-05-03. Review status: criteria provided, single submitter. Criteria: Athena Diagnostics Criteria. Collection method: clinical testing. Allele origin: unknown.
Comment: Available data are insufficient to determine the clinical significance of the variant at this time. The frequency of this variant in the general population is uninformative in assessment of its pathogenicity. Computational tools predict that this variant is not damaging.

Department of Pathology and Laboratory Medicine, Sinai Health System
Classification: Uncertain significance for Spastic ataxia 4. Last evaluated: 2022-09-09. Review status: criteria provided, single submitter. Criteria: ACMG Guidelines, 2015. Collection method: research. Allele origin: germline.

NM_018109.4(MTPAP):c.1624A>G (p.Thr542Ala)

Gene: MTPAP (mitochondrial poly(A) polymerase; minus strand). Cytogenetic location: 10p11.23.
Variant type: single nucleotide variant.
Coding change: c.1624A>G on transcript NM_018109.4 (MANE Select); coding-DNA position 1624, A replaced by G.
Protein change: p.Thr542Ala; replaces threonine 542 with alanine.
Molecular consequence: missense variant.
Genome position (GRCh38, 1-based): chr10:30,313,734, T>C on the plus strand (A>G on the coding strand, the complement: MTPAP is on the minus strand). VCF-style: chr10-30313734-T-C. GRCh37 (hg19) VCF-style: chr10-30602663-T-C.
Other names: c.1624A>G (NM_018109.3); short protein forms T542A.
Identifiers: ClinVar variation 2182204 (VCV002182204.5), dbSNP rs756511637, ClinGen allele CA5458917.